The following is an entry in ClinVar:

ClinVar aggregate classification (germline): Likely pathogenic (1 of 4 stars; one submission).

Conditions:
Wolman disease (WOLD). Also called: Infantile-Onset LAL-D (Wolman Disease); LIPA DEFICIENCY, COMPLETE; LAL DEFICIENCY, COMPLETE; CHOLESTEROL ESTER HYDROLASE DEFICIENCY, COMPLETE; Acid cholesteryl ester hydrolase deficiency, Wolman type; Acid lipase disease. Identifiers: Orphanet 75233, MedGen C0043208, MONDO:0019148, OMIM 620151.

Allele frequency attached by ClinVar (database versions not stated): gnomAD exomes below 0.00001; TOPMed below 0.00001.
gnomAD v4.1: 3 of 1,459,568 alleles (0.00021%); highest among the groups gnomAD compares: Non-Finnish European, 0.00029%; no homozygotes.

Submission:

Labcorp Genetics (formerly Invitae), Labcorp
Classification: Likely pathogenic for Wolman disease. Last evaluated: 2023-08-28. Review status: criteria provided, single submitter. Criteria: Invitae Variant Classification Sherloc (09022015). Collection method: clinical testing. Allele origin: germline.
Comment: This sequence change falls in intron 5 of the LIPA gene. It does not directly change the encoded amino acid sequence of the LIPA protein. It affects a nucleotide within the consensus splice site. In summary, the currently available evidence indicates that the variant is pathogenic, but additional data are needed to prove that conclusively. Therefore, this variant has been classified as Likely Pathogenic. Variants that disrupt the consensus splice site are a relatively common cause of aberrant splicing (PMID: 17576681, 9536098). Algorithms developed to predict the effect of sequence changes on RNA splicing suggest that this variant may disrupt the consensus splice site. This variant has been observed in individual(s) with cholesterol ester storage disease (PMID: 29958253). This variant is not present in population databases (gnomAD no frequency).

Literature cited by the submitters: PubMed 17576681; PubMed 9536098; PubMed 29958253.

NM_000235.4(LIPA):c.538+5G>A

Gene: LIPA (lipase A, lysosomal acid type; minus strand). Cytogenetic location: 10q23.31.
Variant type: single nucleotide variant.
Coding change: c.538+5G>A on transcript NM_000235.4 (MANE Select); 5 bases into the intron after coding-DNA position 538, G replaced by A.
Molecular consequence: intron variant.
Genome position (GRCh38, 1-based): chr10:89,226,890, C>T on the plus strand (G>A on the coding strand, the complement: LIPA is on the minus strand). VCF-style: chr10-89226890-C-T. GRCh37 (hg19) VCF-style: chr10-90986647-C-T.
Other names: c.538+5G>A (NM_001127605.3); c.190+5G>A (NM_001288979.2).
Identifiers: ClinVar variation 2735452 (VCV002735452.3), dbSNP rs1842776518, ClinGen allele CA1926739357.